The following is an entry in ClinVar:

ClinVar aggregate classification (germline): Pathogenic. Review status: criteria provided, multiple submitters, no conflicts (2 of 4 stars). 2 submissions from 2 submitters: Pathogenic (2). Last evaluated 2025-12-15.

gnomAD v4.1: 1 of 1,610,706 alleles (0.000062%); highest among the groups gnomAD compares: Non-Finnish European, 0.000085%; no homozygotes.

Submissions (2):

Dasa
Classification: Pathogenic. Last evaluated: 2025-12-15. Review status: criteria provided, single submitter. Criteria: DASA Assertion Criteria. Collection method: clinical testing. Allele origin: germline.
Comment: NM_133497.4(KCNV2):c.1057G>T (p.Glu353*) introduces a premature termination codon predicted to result in loss of normal protein function. Loss-of-function is an established mechanism of disease for this gene. The variant is present at low frequency in population datasets. Based on the available data, this variant is classified as pathogenic.

Labcorp Genetics (formerly Invitae), Labcorp
Classification: Pathogenic. Last evaluated: 2023-07-19. Review status: criteria provided, single submitter. Criteria: Invitae Variant Classification Sherloc (09022015). Collection method: clinical testing. Allele origin: germline.
Comment: For these reasons, this variant has been classified as Pathogenic. This variant has not been reported in the literature in individuals affected with KCNV2-related conditions. This variant is not present in population databases (gnomAD no frequency). This sequence change creates a premature translational stop signal (p.Glu353*) in the KCNV2 gene. It is expected to result in an absent or disrupted protein product. Loss-of-function variants in KCNV2 are known to be pathogenic (PMID: 16909397, 18235024).

Literature cited by the submitters: PubMed 16909397 (cited by Labcorp Genetics (formerly Invitae), Labcorp); PubMed 18235024 (cited by Labcorp Genetics (formerly Invitae), Labcorp).

NM_133497.4(KCNV2):c.1057G>T (p.Glu353Ter)

Gene: KCNV2 (potassium voltage-gated channel modifier subfamily V member 2; plus strand). Cytogenetic location: 9p24.2.
Variant type: single nucleotide variant.
Coding change: c.1057G>T on transcript NM_133497.4 (MANE Select); coding-DNA position 1057, G replaced by T.
Protein change: p.Glu353Ter; replaces glutamic acid 353 with a stop codon.
Molecular consequence: nonsense.
Genome position (GRCh38, 1-based): chr9:2,718,796, G>T. VCF-style: chr9-2718796-G-T. GRCh37 (hg19) VCF-style: chr9-2718796-G-T.
Other names: short protein forms E353*.
Identifiers: ClinVar variation 2745187 (VCV002745187.4), dbSNP rs369069912, ClinGen allele CA4965746.